The following is an entry in ClinVar:

ClinVar aggregate classification (germline): Likely pathogenic (1 of 4 stars; one submission).

Submission:

CeGaT Center for Human Genetics Tuebingen
Classification: Likely pathogenic. Last evaluated: 2022-11-01. Review status: criteria provided, single submitter. Criteria: CeGaT Center For Human Genetics Tuebingen Variant Classification Criteria Version 2. Collection method: clinical testing. Allele origin: germline. Affected: yes. Observed: 2 variant alleles.
Comment: MYH7: PM2, PM5, PP2, PP3

NM_000257.4(MYH7):c.2710C>G (p.Arg904Gly)

Gene: MYH7 (myosin heavy chain 7; minus strand). Cytogenetic location: 14q11.2.
Variant type: single nucleotide variant.
Coding change: c.2710C>G on transcript NM_000257.4 (MANE Select); coding-DNA position 2710, C replaced by G.
Protein change: p.Arg904Gly; replaces arginine 904 with glycine.
Molecular consequence: missense variant.
Genome position (GRCh38, 1-based): chr14:23,424,119, G>C on the plus strand (C>G on the coding strand, the complement: MYH7 is on the minus strand). VCF-style: chr14-23424119-G-C. GRCh37 (hg19) VCF-style: chr14-23893328-G-C.
Other names: c.2710C>G, p.Arg904Gly (NM_001407004.1); short protein forms R904G.
Identifiers: ClinVar variation 1879271 (VCV001879271.29), dbSNP rs727503253, ClinGen allele CA389047309.